The following is an entry in ClinVar:

ClinVar aggregate classification (germline): Likely benign. Review status: criteria provided, single submitter (1 of 4 stars). 2 submissions from 2 submitters: Likely benign (1). 1 of the submissions does not count toward it. Last evaluated 2019-12-31.

Conditions:
XRCC1-related disorder. Also called: XRCC1-related condition.

Allele frequency attached by ClinVar (database versions not stated): 1000 Genomes Project 30x 0.00031; 1000 Genomes Project 0.00040; TOPMed 0.00006; gnomAD 0.00009.
gnomAD v4.1: 91 of 1,613,736 alleles (0.0056%); highest among the groups gnomAD compares: Admixed American, 0.025%; no homozygotes.

Submissions (2):

Labcorp Genetics (formerly Invitae), Labcorp
Classification: Likely benign. Last evaluated: 2019-12-31. Review status: criteria provided, single submitter. Criteria: Invitae Variant Classification Sherloc (09022015). Collection method: clinical testing. Allele origin: germline.

PreventionGenetics, part of Exact Sciences
Classification: Likely benign for XRCC1-related condition. Last evaluated: 2019-02-16. Review status: no assertion criteria provided. Collection method: clinical testing. Allele origin: germline. Not counted in ClinVar's aggregate classification.
Comment: This variant is classified as likely benign based on ACMG/AMP sequence variant interpretation guidelines (Richards et al. 2015 PMID: 25741868, with internal and published modifications).

NM_006297.3(XRCC1):c.291C>T (p.Ser97=)

Gene: XRCC1 (X-ray repair cross complementing 1; minus strand). Cytogenetic location: 19q13.31.
Variant type: single nucleotide variant.
Coding change: c.291C>T on transcript NM_006297.3 (MANE Select); coding-DNA position 291, C replaced by T.
Protein change: p.Ser97=; no amino-acid change (serine 97 retained).
Molecular consequence: synonymous variant.
Genome position (GRCh38, 1-based): chr19:43,554,769, G>A on the plus strand (C>T on the coding strand, the complement: XRCC1 is on the minus strand). VCF-style: chr19-43554769-G-A. GRCh37 (hg19) VCF-style: chr19-44058921-G-A.
Identifiers: ClinVar variation 724299 (VCV000724299.5), dbSNP rs200376594, ClinGen allele CA9488842.